The following is an entry in ClinVar:

NM_000038.6(APC):c.1021C>A (p.Gln341Lys)

Gene: APC (APC regulator of WNT signaling pathway; plus strand). Cytogenetic location: 5q22.2.
Variant type: single nucleotide variant.
Coding change: c.1021C>A on transcript NM_000038.6 (MANE Select); coding-DNA position 1021, C replaced by A.
Protein change: p.Gln341Lys; replaces glutamine 341 with lysine.
Molecular consequence: missense variant. On other transcripts: intron variant (4).
Genome position (GRCh38, 1-based): chr5:112,819,053, C>A. VCF-style: chr5-112819053-C-A. GRCh37 (hg19) VCF-style: chr5-112154750-C-A.
Other names: c.1021C>A, p.Gln341Lys (NM_001127510.3, NM_001354895.2, NM_001354896.2); c.967C>A, p.Gln323Lys (NM_001127511.3); c.1051C>A, p.Gln351Lys (NM_001354897.2); c.946C>A, p.Gln316Lys (NM_001354898.2); c.937C>A, p.Gln313Lys (NM_001354899.2); c.844C>A, p.Gln282Lys (NM_001354900.2, NM_001354901.2); c.172C>A, p.Gln58Lys (NM_001354906.2); c.964-216C>A (NM_001354902.2); and 3 more; short protein forms Q323K, Q341K, Q313K, Q351K, Q58K, Q316K, Q282K.
Identifiers: ClinVar variation 83124 (VCV000083124.2), dbSNP rs77058194, ClinGen allele CA004035.
Genomic context (GRCh38, chr5:112,819,053, plus strand): 5'-ATGCTTGGTACTCATGATAAGGATGATATGTCGCGAACTTTGCTAGCTATGTCTAGCTCC[C>A]AAGACAGCTGTATATCCATGCGACAGTCTGGATGTCTTCCTCTCCTCATCCAGCTTTTAC-3'
Protein context (NP_000029.2, residues 331-351): SRTLLAMSSS[Gln341Lys]DSCISMRQSG

ClinVar aggregate classification (germline): other (0 of 4 stars; one submission).

Conditions:
Familial colorectal cancer. Identifiers: MedGen CN280943, MONDO:0023113. Disease mechanism: loss of function.

Submission:

Systems Biology Platform Zhejiang California International NanoSystems Institute
Classification: other for Familial colorectal cancer. Review status: no assertion criteria provided. Collection method: not provided. Allele origin: unknown.
ClinVar note: Converted during submission from cancer to other.